The following is an entry in ClinVar:

ClinVar aggregate classification (germline): Uncertain significance (1 of 4 stars; one submission).

Conditions:
Hereditary cancer-predisposing syndrome. Also called: Tumor predisposition; Neoplastic Syndromes, Hereditary; Hereditary neoplastic syndrome; Hereditary Cancer Syndrome. Identifiers: Orphanet 140162, MedGen C0027672, MeSH D009386, MONDO:0015356.

Submission:

Ambry Genetics
Classification: Uncertain significance for Hereditary cancer-predisposing syndrome. Last evaluated: 2024-06-27. Review status: criteria provided, single submitter. Criteria: Ambry Variant Classification Scheme 2023. Collection method: clinical testing. Allele origin: germline.
Comment: The p.Q784K variant (also known as c.2350C>A), located in coding exon 9 of the AXIN2 gene, results from a C to A substitution at nucleotide position 2350. The glutamine at codon 784 is replaced by lysine, an amino acid with similar properties. This amino acid position is conserved. In addition, this alteration is predicted to be tolerated by in silico analysis. Based on the available evidence, the clinical significance of this variant remains unclear.

NM_004655.4(AXIN2):c.2350C>A (p.Gln784Lys)

Gene: AXIN2 (axin 2; minus strand). Cytogenetic location: 17q24.1.
Variant type: single nucleotide variant.
Coding change: c.2350C>A on transcript NM_004655.4 (MANE Select); coding-DNA position 2350, C replaced by A.
Protein change: p.Gln784Lys; replaces glutamine 784 with lysine.
Molecular consequence: missense variant.
Genome position (GRCh38, 1-based): chr17:65,533,967, G>T on the plus strand (C>A on the coding strand, the complement: AXIN2 is on the minus strand). VCF-style: chr17-65533967-G-T. GRCh37 (hg19) VCF-style: chr17-63530085-G-T.
Other names: c.2155C>A, p.Gln719Lys (NM_001363813.1); short protein forms Q719K, Q784K.
Identifiers: ClinVar variation 3469927 (VCV003469927.1).